The following is an entry in ClinVar:

ClinVar aggregate classification (germline): Pathogenic/Likely pathogenic. Review status: criteria provided, multiple submitters, no conflicts (2 of 4 stars). 3 submissions from 3 submitters: Pathogenic (1); Likely pathogenic (2). Last evaluated 2024-01-08.

Conditions:
Ornithine aminotransferase deficiency (GACR). Also called: OAT DEFICIENCY; OKT DEFICIENCY; HYPERORNITHINEMIA WITH GYRATE ATROPHY OF CHOROID AND RETINA; Ornithine ketoacid aminotransferase deficiency; Gyrate atrophy; Gyrate atrophy of choroid and retina. Identifiers: Orphanet 414, MedGen C0018425, MONDO:0009796, OMIM 258870.

Allele frequency attached by ClinVar (database versions not stated): gnomAD exomes below 0.00001.

Submissions (3):

Fulgent Genetics
Classification: Likely pathogenic for Ornithine aminotransferase deficiency. Last evaluated: 2024-01-08. Review status: criteria provided, single submitter. Criteria: ACMG Guidelines, 2015. Collection method: clinical testing. Allele origin: germline.

Baylor Genetics
Classification: Likely pathogenic for Ornithine aminotransferase deficiency. Last evaluated: 2023-05-08. Review status: criteria provided, single submitter. Criteria: ACMG Guidelines, 2015. Collection method: clinical testing. Allele origin: unknown.

Labcorp Genetics (formerly Invitae), Labcorp
Classification: Pathogenic for Ornithine aminotransferase deficiency. Last evaluated: 2021-09-21. Review status: criteria provided, single submitter. Criteria: Invitae Variant Classification Sherloc (09022015). Collection method: clinical testing. Allele origin: germline.
Comment: This sequence change creates a premature translational stop signal (p.Tyr299*) in the OAT gene. It is expected to result in an absent or disrupted protein product. Loss-of-function variants in OAT are known to be pathogenic (PMID: 1737786, 23076989). This variant is not present in population databases (ExAC no frequency). This premature translational stop signal has been observed in individuals with gyrate atrophy (PMID: 1609808, 22674428). For these reasons, this variant has been classified as Pathogenic.

Literature cited by the submitters: PubMed 1737786 (cited by Labcorp Genetics (formerly Invitae), Labcorp); PubMed 23076989 (cited by Labcorp Genetics (formerly Invitae), Labcorp); PubMed 1609808 (cited by Labcorp Genetics (formerly Invitae), Labcorp); PubMed 22674428 (cited by Labcorp Genetics (formerly Invitae), Labcorp).

NM_000274.4(OAT):c.896dup (p.Tyr299Ter)

Gene: OAT (ornithine aminotransferase; minus strand). Cytogenetic location: 10q26.13.
Variant type: Duplication.
Coding change: c.896dup on transcript NM_000274.4 (MANE Select); coding-DNA position 896, one base duplicated (A; older notation c.896dupA).
Protein change: p.Tyr299Ter; replaces tyrosine 299 with a stop codon.
Molecular consequence: nonsense.
Genome position (GRCh38, 1-based): chr10:124,402,931, T duplicated on the plus strand (A on the coding strand, the reverse complement: OAT is on the minus strand). VCF-style (leftmost placement, unchanged base first): chr10-124402930-G-GT. GRCh37 (hg19) VCF-style: chr10-126091499-G-GT.
Other names: c.482dup, p.Tyr161Ter (NM_001171814.2); c.896dup, p.Tyr299Ter (NM_001322965.2, NM_001322966.2, NM_001322967.2 and 3 more transcripts); c.575dup, p.Tyr192Ter (NM_001322971.2); c.296dup, p.Tyr99Ter (NM_001322974.2); short protein forms Y192*, Y299*, Y99*, Y161*.
Identifiers: ClinVar variation 1451166 (VCV001451166.8), dbSNP rs2134456170, ClinGen allele CA2573145615.